The following is an entry in ClinVar:

ClinVar aggregate classification (germline): Uncertain significance (1 of 4 stars; one submission).

Allele frequency attached by ClinVar (database versions not stated): gnomAD exomes below 0.00001.
gnomAD v4.1: 1 of 1,613,304 alleles (0.000062%); highest among the groups gnomAD compares: Non-Finnish European, 0.000085%; no homozygotes.

Submission:

CeGaT Center for Human Genetics Tuebingen
Classification: Uncertain significance. Last evaluated: 2023-07-01. Review status: criteria provided, single submitter. Criteria: CeGaT Center For Human Genetics Tuebingen Variant Classification Criteria Version 2. Collection method: clinical testing. Allele origin: germline. Affected: yes. Observed: 1 variant allele.
Comment: ATP13A2: PM2:Supporting, BP4

NM_022089.4(ATP13A2):c.2097C>T (p.Pro699=)

Gene: ATP13A2 (ATPase cation transporting 13A2; minus strand). Cytogenetic location: 1p36.13.
Variant type: single nucleotide variant.
Coding change: c.2097C>T on transcript NM_022089.4 (MANE Select); coding-DNA position 2097, C replaced by T.
Protein change: p.Pro699=; no amino-acid change (proline 699 retained).
Molecular consequence: synonymous variant.
Genome position (GRCh38, 1-based): chr1:16,992,038, G>A on the plus strand (C>T on the coding strand, the complement: ATP13A2 is on the minus strand). VCF-style: chr1-16992038-G-A. GRCh37 (hg19) VCF-style: chr1-17318533-G-A.
Other names: c.2082C>T, p.Pro694= (NM_001141973.3, NM_001141974.3).
Identifiers: ClinVar variation 2578567 (VCV002578567.25), dbSNP rs2523268409, ClinGen allele CA416094186.
Genomic context (GRCh38, chr1:16,992,038, plus strand): 5'-TCAGAGTGGGTGGGACAGGAGACAGGCCCACCTCGTCAGTTGCTGGGCTGCCTCCAGGCT[G>A]GGCACAGTGGGCAGTGGCTTGCTGGCCAGGGCCACGACACGGTAGCCAGCAGCTGTATAG-3'
Protein context (NP_071372.1, residues 689-709): ALASKPLPTV[Pro699=]SLEAAQQLTR